The following is an entry in ClinVar:

ClinVar aggregate classification (germline): Uncertain significance (1 of 4 stars; one submission).

Conditions:
Inborn genetic diseases. Identifiers: MedGen C0950123, MeSH D030342.

Submission:

Ambry Genetics
Classification: Uncertain significance for Inborn genetic diseases. Last evaluated: 2025-01-21. Review status: criteria provided, single submitter. Criteria: Ambry Variant Classification Scheme 2023. Collection method: clinical testing. Allele origin: germline.
Comment: The p.M111I variant (also known as c.333G>T), located in coding exon 3 of the CAV1 gene, results from a G to T substitution at nucleotide position 333. The methionine at codon 111 is replaced by isoleucine, an amino acid with highly similar properties. This amino acid position is conserved. In addition, the in silico prediction for this alteration is inconclusive. Based on the available evidence, the clinical significance of this variant remains unclear.

NM_001753.5(CAV1):c.333G>T (p.Met111Ile)

Gene: CAV1 (caveolin 1; plus strand). Cytogenetic location: 7q31.2.
Variant type: single nucleotide variant.
Coding change: c.333G>T on transcript NM_001753.5 (MANE Select); coding-DNA position 333, G replaced by T.
Protein change: p.Met111Ile; replaces methionine 111 with isoleucine.
Molecular consequence: missense variant.
Genome position (GRCh38, 1-based): chr7:116,559,083, G>T. VCF-style: chr7-116559083-G-T. GRCh37 (hg19) VCF-style: chr7-116199137-G-T.
Other names: c.240G>T, p.Met80Ile (NM_001172895.1, NM_001172896.2, NM_001172897.2); short protein forms M80I, M111I.
Identifiers: ClinVar variation 3827733 (VCV003827733.1).